The following is an entry in ClinVar:

ClinVar aggregate classification (germline): Uncertain significance (1 of 4 stars; one submission).

Allele frequency attached by ClinVar (database versions not stated): gnomAD 0.00001; ESP Exome Variant Server 0.00008.
gnomAD v4.1: 11 of 1,613,802 alleles (0.00068%); highest among the groups gnomAD compares: East Asian, 0.0045%; no homozygotes.

Submission:

Labcorp Genetics (formerly Invitae), Labcorp
Classification: Uncertain significance. Last evaluated: 2021-12-02. Review status: criteria provided, single submitter. Criteria: Invitae Variant Classification Sherloc (09022015). Collection method: clinical testing. Allele origin: germline.
Comment: This sequence change replaces arginine, which is basic and polar, with histidine, which is basic and polar, at codon 497 of the RUSC2 protein (p.Arg497His). This variant is present in population databases (rs146253245, gnomAD 0.004%). This variant has not been reported in the literature in individuals affected with RUSC2-related conditions. Algorithms developed to predict the effect of missense changes on protein structure and function (SIFT, PolyPhen-2, Align-GVGD) all suggest that this variant is likely to be disruptive. In summary, the available evidence is currently insufficient to determine the role of this variant in disease. Therefore, it has been classified as a Variant of Uncertain Significance.

NM_014806.5(RUSC2):c.1490G>A (p.Arg497His)

Gene: RUSC2 (RUN and SH3 domain containing 2; plus strand). Cytogenetic location: 9p13.3.
Variant type: single nucleotide variant.
Coding change: c.1490G>A on transcript NM_014806.5 (MANE Select); coding-DNA position 1490, G replaced by A.
Protein change: p.Arg497His; replaces arginine 497 with histidine.
Molecular consequence: missense variant. On other transcripts: non-coding transcript variant (1), intron variant (1).
Genome position (GRCh38, 1-based): chr9:35,548,011, G>A. VCF-style: chr9-35548011-G-A. GRCh37 (hg19) VCF-style: chr9-35548008-G-A.
Other names: c.1490G>A, p.Arg497His (NM_001135999.2); c.-620-7049G>A (NM_001330740.2); short protein forms R497H.
Identifiers: ClinVar variation 1468886 (VCV001468886.3), dbSNP rs146253245, ClinGen allele CA5043653.